The following is an entry in ClinVar:

ClinVar aggregate classification (germline): Conflicting classifications of pathogenicity. Review status: criteria provided, conflicting classifications (1 of 4 stars). 4 submissions from 4 submitters: Uncertain significance (3); Likely benign (1). Last evaluated 2025-12-16.

Conditions:
MAGEL2-related disorder. Also called: MAGEL2-related condition.

Allele frequency attached by ClinVar (database versions not stated): 1000 Genomes Project 0.00020; 1000 Genomes Project 30x 0.00016.
gnomAD v4.1: 66 of 1,613,764 alleles (0.0041%); highest among the groups gnomAD compares: Middle Eastern, 0.016%; no homozygotes.

Submissions (4):

Labcorp Genetics (formerly Invitae), Labcorp
Classification: Uncertain significance. Last evaluated: 2025-12-16. Review status: criteria provided, single submitter. Criteria: Invitae Variant Classification Sherloc (09022015). Collection method: clinical testing. Allele origin: germline.
Comment: This sequence change replaces alanine, which is neutral and non-polar, with threonine, which is neutral and polar, at codon 997 of the MAGEL2 protein (p.Ala997Thr). This variant is present in population databases (rs558186319, gnomAD 0.01%). This missense change has been observed in individual(s) with clinical features of Schaaf-Yang syndrome (PMID: 30302899). ClinVar contains an entry for this variant (Variation ID: 1336676). Invitae Evidence Modeling of protein sequence and biophysical properties (such as structural, functional, and spatial information, amino acid conservation, physicochemical variation, residue mobility, and thermodynamic stability) indicates that this missense variant is not expected to disrupt MAGEL2 protein function with a negative predictive value of 80%. In summary, the available evidence is currently insufficient to determine the role of this variant in disease. Therefore, it has been classified as a Variant of Uncertain Significance.

CeGaT Center for Human Genetics Tuebingen
Classification: Likely benign. Last evaluated: 2025-10-01. Review status: criteria provided, single submitter. Criteria: CeGaT Center For Human Genetics Tuebingen Variant Classification Criteria Version 2. Collection method: clinical testing. Allele origin: germline. Affected: yes. Observed: 1 variant allele.
Comment: MAGEL2: BP4

PreventionGenetics, part of Exact Sciences
Classification: Uncertain significance for MAGEL2-related condition. Last evaluated: 2025-06-11. Review status: criteria provided, single submitter. Criteria: ACMG Guidelines, 2015. Collection method: clinical testing. Allele origin: germline.
Comment: The MAGEL2 c.2989G>A variant is predicted to result in the amino acid substitution p.Ala997Thr. This variant was previously reported in one individual with suspected Schaaf-Yang syndrome (McCarthy et al. 2018. PubMed ID: 30302899). However, please note that loss of function is considered the primary mechanism of MAGEL2-related disease. This variant is reported in 0.011% of alleles in individuals of European (Non-Finnish) descent in gnomAD. At this time, the clinical significance of this variant is uncertain due to the absence of conclusive functional and genetic evidence.

Genetic Services Laboratory, University of Chicago
Classification: Uncertain significance. Last evaluated: 2018-04-10. Review status: criteria provided, single submitter. Criteria: ACMG Guidelines, 2015. Collection method: clinical testing. Allele origin: germline. Affected: no.

Literature cited by the submitters: PubMed 30302899 (cited by Labcorp Genetics (formerly Invitae), Labcorp).

NM_019066.5(MAGEL2):c.2989G>A (p.Ala997Thr)

Gene: MAGEL2 (MAGE family member L2; minus strand). Cytogenetic location: 15q11.2.
Variant type: single nucleotide variant.
Coding change: c.2989G>A on transcript NM_019066.5 (MANE Select); coding-DNA position 2989, G replaced by A.
Protein change: p.Ala997Thr; replaces alanine 997 with threonine.
Molecular consequence: missense variant.
Genome position (GRCh38, 1-based): chr15:23,644,754, C>T on the plus strand (G>A on the coding strand, the complement: MAGEL2 is on the minus strand). VCF-style: chr15-23644754-C-T. GRCh37 (hg19) VCF-style: chr15-23889901-C-T.
Other names: short protein forms A997T.
Identifiers: ClinVar variation 1336676 (VCV001336676.13), dbSNP rs558186319, ClinGen allele CA7429770.
Genomic context (GRCh38, chr15:23,644,754, plus strand): 5'-AGGGCTGTGCCTCCACCTTGGAATTATCCTGGGTGGCACTGGATCCCGGAGAGACACTTG[C>T]GACCTCAGACACAACTACGGGCAGAGAGCTCCCTGGGCTTTCAGAGAGACCCAGGGCCCT-3'
Protein context (NP_061939.3, residues 987-1007): SSLPVVVSEV[Ala997Thr]SVSPGSSATQ